The following is an entry in ClinVar:

NM_000270.3(PNP):c.*816C>T

Gene: PNP (purine nucleoside phosphorylase; plus strand). Cytogenetic location: 14q11.2.
Variant type: single nucleotide variant.
Coding change: c.*816C>T on transcript NM_000270.3; 816 bases downstream of the stop codon, C replaced by T.
Genome position (GRCh38, 1-based): chr14:20,477,417, C>T. VCF-style: chr14-20477417-C-T. GRCh37 (hg19) VCF-style: chr14-20945576-C-T.
Identifiers: ClinVar variation 312748 (VCV000312748.7), dbSNP rs79538439, ClinGen allele CA10639865.
Genomic context (GRCh38, chr14:20,477,417, plus strand): 5'-GCCTTCTGATTGTTTCATTTCCTGTTTATTTGATCATATCTGAATTAGTTCACTGGTTAG[C>T]CTCTTCCTTAGTTCCCACTTCCTTACCAAAGCCCTAATTATATTTCCTCTTGTTTGCCTT-3'

ClinVar aggregate classification (germline): Benign (1 of 4 stars; one submission).

Conditions:
Purine-nucleoside phosphorylase deficiency. Also called: Immunodeficiency due to purine nucleoside phosphorylase deficiency; NUCLEOSIDE PHOSPHORYLASE DEFICIENCY. Identifiers: Orphanet 760, MedGen C0268125, MONDO:0013171, OMIM 613179.

Allele frequency attached by ClinVar (database versions not stated): 1000 Genomes Project 30x 0.03389; gnomAD 0.01512 and 0.01657; 1000 Genomes Project 0.03654; TOPMed 0.02071.

Submission:

Illumina Laboratory Services, Illumina
Classification: Benign for Purine-nucleoside phosphorylase deficiency. Last evaluated: 2018-01-13. Review status: criteria provided, single submitter. Criteria: ICSL Variant Classification Criteria 13 December 2019. Collection method: clinical testing. Allele origin: germline.
Comment: This variant was observed in the ICSL laboratory as part of a predisposition screen in an ostensibly healthy population. It had not been previously curated by ICSL or reported in the Human Gene Mutation Database (HGMD: prior to June 1st, 2018), and was therefore a candidate for classification through an automated scoring system. Utilizing variant allele frequency, disease prevalence and penetrance estimates, and inheritance mode, an automated score was calculated to assess if this variant is too frequent to cause the disease. Based on the score and internal cut-off values, a variant classified as benign is not then subjected to further curation. The score for this variant resulted in a classification of benign for this disease.